The following is an entry in ClinVar:

ClinVar aggregate classification (germline): other (0 of 4 stars; one submission).

Conditions:
Familial colorectal cancer. Identifiers: MedGen CN280943, MONDO:0023113. Disease mechanism: loss of function.

Allele frequency attached by ClinVar (database versions not stated): TOPMed below 0.00001.

Submission:

Systems Biology Platform Zhejiang California International NanoSystems Institute
Classification: other for Familial colorectal cancer. Review status: no assertion criteria provided. Collection method: not provided. Allele origin: unknown.
ClinVar note: Converted during submission from cancer to other.

NM_000038.6(APC):c.646-4096G>T

Gene: APC (APC regulator of WNT signaling pathway; plus strand). Cytogenetic location: 5q22.2.
Variant type: single nucleotide variant.
Coding change: c.646-4096G>T on transcript NM_000038.6 (MANE Select); 4096 bases into the intron before coding-DNA position 646, G replaced by T.
Molecular consequence: intron variant.
Genome position (GRCh38, 1-based): chr5:112,788,350, G>T. VCF-style: chr5-112788350-G-T. GRCh37 (hg19) VCF-style: chr5-112124047-G-T.
Other names: c.646-4096G>T (NM_001354895.2, NM_001127510.3, NM_001354896.2 and 1 more transcripts); c.676-4096G>T (NM_001354897.2, NM_001354902.2); c.675+7447G>T (NM_001127511.3); c.571-4096G>T (NM_001354898.2, NM_001354904.2); c.-390-4096G>T (NM_001354906.2); c.645+7447G>T (NM_001354899.2); c.469-4096G>T (NM_001354900.2, NM_001354901.2, NM_001354905.2).
Identifiers: ClinVar variation 82976 (VCV000082976.2), dbSNP rs75093809, ClinGen allele CA011925.